The following is an entry in ClinVar:

ClinVar aggregate classification (germline): Uncertain significance. Review status: criteria provided, multiple submitters, no conflicts (2 of 4 stars). 2 submissions from 2 submitters: Uncertain significance (2). Last evaluated 2023-12-07.

Conditions:
Mitochondrial DNA depletion syndrome 13. Also called: FBXL4-Related Encephalomyopathic Mitochondrial DNA Depletion Syndrome; Mitochondrial DNA depletion syndrome 13 (encephalomyopathic type). Identifiers: Orphanet 369897, MedGen C3809592, MONDO:0014198, OMIM 615471.

Allele frequency attached by ClinVar (database versions not stated): gnomAD exomes below 0.00001 and 0.00001; ExAC 0.00001; gnomAD 0.00001.

Submissions (2):

Mayo Clinic Laboratories, Mayo Clinic
Classification: Uncertain significance. Last evaluated: 2023-12-07. Review status: criteria provided, single submitter. Criteria: ACMG Guidelines, 2015. Collection method: clinical testing. Allele origin: germline. Observed: 1 variant allele.
Comment: BP4, PM2_moderate

Wong Mito Lab, Molecular and Human Genetics, Baylor College of Medicine
Classification: Uncertain significance for Mitochondrial DNA depletion syndrome 13. Last evaluated: 2017-08-10. Review status: criteria provided, single submitter. Criteria: ACMG Guidelines, 2015. Collection method: reference population. Allele origin: germline.
Comment: The NM_012160.4:c.418G>A (NP_036292.2:p.Val140Ile) [GRCH38: NC_000006.12:g.98926571C>T] variant in FBXL4 gene is interpretated to be a Uncertain Significance - Conflicting Evidence based on ACMG guidelines (PMID: 25741868). This variant meets one or more of the following evidence codes reported in the ACMG-guideline. PM2:This variant is absent in key population databases. PM5:This variant causes novel missense change at an amino acid residue where a different pathogenic missense change has been seen before. BP4:Computational evidence/predictors indicate no impact on the FBXL4 structure, function, or protein-protein interaction. Based on this evidence code ClinGen Pathogenicity Calculator (PMID:28081714) suggested that the variant is Uncertain Significance - Conflicting Evidence.

NM_001278716.2(FBXL4):c.418G>A (p.Val140Ile)

Gene: FBXL4 (F-box and leucine rich repeat protein 4; minus strand). Cytogenetic location: 6q16.2.
Variant type: single nucleotide variant.
Coding change: c.418G>A on transcript NM_001278716.2 (MANE Select); coding-DNA position 418, G replaced by A.
Protein change: p.Val140Ile; replaces valine 140 with isoleucine.
Molecular consequence: missense variant. On other transcripts: non-coding transcript variant (2).
Genome position (GRCh38, 1-based): chr6:98,926,571, C>T on the plus strand (G>A on the coding strand, the complement: FBXL4 is on the minus strand). VCF-style: chr6-98926571-C-T. GRCh37 (hg19) VCF-style: chr6-99374447-C-T.
Other names: p.Val140Ile; c.418G>A, p.Val140Ile (NM_012160.5); short protein forms V140I.
Identifiers: ClinVar variation 437576 (VCV000437576.2), dbSNP rs748902586, ClinGen allele CA3933691.